The following is an entry in ClinVar:

ClinVar aggregate classification (germline): Uncertain significance (1 of 4 stars; one submission).

gnomAD v4.1: 7 of 1,613,106 alleles (0.00043%); highest among the groups gnomAD compares: African/African-American, 0.0067%; no homozygotes.

Submission:

Labcorp Genetics (formerly Invitae), Labcorp
Classification: Uncertain significance. Last evaluated: 2022-03-02. Review status: criteria provided, single submitter. Criteria: Invitae Variant Classification Sherloc (09022015). Collection method: clinical testing. Allele origin: germline.
Comment: In summary, the available evidence is currently insufficient to determine the role of this variant in disease. Therefore, it has been classified as a Variant of Uncertain Significance. Advanced modeling of protein sequence and biophysical properties (such as structural, functional, and spatial information, amino acid conservation, physicochemical variation, residue mobility, and thermodynamic stability) performed at Invitae indicates that this missense variant is not expected to disrupt PCYT1A protein function. This variant has not been reported in the literature in individuals affected with PCYT1A-related conditions. This variant is present in population databases (rs561949003, gnomAD 0.008%). This sequence change replaces tyrosine, which is neutral and polar, with serine, which is neutral and polar, at codon 59 of the PCYT1A protein (p.Tyr59Ser).

NM_001312673.2(PCYT1A):c.176A>C (p.Tyr59Ser)

Gene: PCYT1A (phosphate cytidylyltransferase 1A, choline; minus strand). Cytogenetic location: 3q29.
Variant type: single nucleotide variant.
Coding change: c.176A>C on transcript NM_001312673.2 (MANE Select); coding-DNA position 176, A replaced by C.
Protein change: p.Tyr59Ser; replaces tyrosine 59 with serine.
Molecular consequence: missense variant.
Genome position (GRCh38, 1-based): chr3:196,257,829, T>G on the plus strand (A>C on the coding strand, the complement: PCYT1A is on the minus strand). VCF-style: chr3-196257829-T-G. GRCh37 (hg19) VCF-style: chr3-195984700-T-G.
Other names: c.176A>C, p.Tyr59Ser (NM_005017.4); short protein forms Y59S.
Identifiers: ClinVar variation 1477285 (VCV001477285.4), dbSNP rs561949003, ClinGen allele CA2779614.